The following is an entry in ClinVar:

NM_015346.4(ZFYVE26):c.6817C>T (p.Arg2273Trp)

Gene: ZFYVE26 (zinc finger FYVE-type containing 26; minus strand). Cytogenetic location: 14q24.1.
Variant type: single nucleotide variant.
Coding change: c.6817C>T on transcript NM_015346.4 (MANE Select); coding-DNA position 6817, C replaced by T.
Protein change: p.Arg2273Trp; replaces arginine 2273 with tryptophan.
Molecular consequence: missense variant.
Genome position (GRCh38, 1-based): chr14:67,755,220, G>A on the plus strand (C>T on the coding strand, the complement: ZFYVE26 is on the minus strand). VCF-style: chr14-67755220-G-A. GRCh37 (hg19) VCF-style: chr14-68221937-G-A.
Other names: c.6817C>T (NM_015346.3); short protein forms R2273W.
Identifiers: ClinVar variation 1482145 (VCV001482145.4), dbSNP rs745597104, ClinGen allele CA7239131.
Genomic context (GRCh38, chr14:67,755,220, plus strand): 5'-GTAGCCATGAGAGCTTCTCTCCCAGTTCTGTATATGACTTTGCTTTGTGACTGAAGAACC[G>A]AATACAGGTCATGGCGGCCCGAACTTGGTCCTAGAAGAGGAAAATAAATGTTCAGGTCAA-3'
Protein context (NP_056161.2, residues 2263-2283): DQVRAAMTCI[Arg2273Trp]FFSHKAKSYT

ClinVar aggregate classification (germline): Uncertain significance. Review status: criteria provided, multiple submitters, no conflicts (2 of 4 stars). 2 submissions from 2 submitters: Uncertain significance (2). Last evaluated 2023-12-15.

Conditions:
Spastic paraplegia. Identifiers: MedGen C0037772, HP:0001258.

Allele frequency attached by ClinVar (database versions not stated): ExAC 0.00002; gnomAD exomes 0.00002; gnomAD 0.00001; TOPMed 0.00002.
gnomAD v4.1: 33 of 1,614,034 alleles (0.002%); highest among the groups gnomAD compares: East Asian, 0.0045%; no homozygotes.

Submissions (2):

Athena Diagnostics
Classification: Uncertain significance. Last evaluated: 2023-12-15. Review status: criteria provided, single submitter. Criteria: Athena Diagnostics Criteria. Collection method: clinical testing. Allele origin: unknown.
Comment: Available data are insufficient to determine the clinical significance of the variant at this time. The frequency of this variant in the general population is uninformative in assessment of its pathogenicity. Computational tools disagree on the variant's effect on normal protein function.

Labcorp Genetics (formerly Invitae), Labcorp
Classification: Uncertain significance for Spastic paraplegia. Last evaluated: 2022-10-21. Review status: criteria provided, single submitter. Criteria: Invitae Variant Classification Sherloc (09022015). Collection method: clinical testing. Allele origin: germline.
Comment: This sequence change replaces arginine, which is basic and polar, with tryptophan, which is neutral and slightly polar, at codon 2273 of the ZFYVE26 protein (p.Arg2273Trp). This variant is present in population databases (rs745597104, gnomAD 0.003%). This missense change has been observed in individual(s) with clinical features of hereditary spastic paraplegia (Invitae). ClinVar contains an entry for this variant (Variation ID: 1482145). Algorithms developed to predict the effect of missense changes on protein structure and function are either unavailable or do not agree on the potential impact of this missense change (SIFT: "Deleterious"; PolyPhen-2: "Benign"; Align-GVGD: "Class C0"). In summary, the available evidence is currently insufficient to determine the role of this variant in disease. Therefore, it has been classified as a Variant of Uncertain Significance.